The following is an entry in ClinVar:

NM_001271.4(CHD2):c.2727+38T>G

Gene: CHD2 (chromodomain helicase DNA binding protein 2; plus strand). Cytogenetic location: 15q26.1.
Variant type: single nucleotide variant.
Coding change: c.2727+38T>G on transcript NM_001271.4 (MANE Select); 38 bases into the intron after coding-DNA position 2727, T replaced by G.
Molecular consequence: intron variant.
Genome position (GRCh38, 1-based): chr15:92,978,421, T>G. VCF-style: chr15-92978421-T-G. GRCh37 (hg19) VCF-style: chr15-93521651-T-G.
Other names: NC_000015.9:g.93521651T>G.
Identifiers: ClinVar variation 1209736 (VCV001209736.8), dbSNP rs11074122, ClinGen allele CA7748045.
Genomic context (GRCh38, chr15:92,978,421, plus strand): 5'-ATAGAATTGGTCAAAAGAAGCAGGTCAGTATGGAGAGGCTTCTGGAAATTGCTTTAGGGT[T>G]GGGGGCCAGGGGGCTTGTTCAGCCCTTTCAGGATGTTAATAAAATGCTTTTTCCCTGTTT-3'

ClinVar aggregate classification (germline): Benign. Review status: criteria provided, multiple submitters, no conflicts (2 of 4 stars). 4 submissions from 4 submitters: Benign (4). Last evaluated 2024-07-15.

Conditions:
Developmental and epileptic encephalopathy 94 (DEE94). Also called: Epileptic encephalopathy, childhood-onset; CHD2-Related Neurodevelopmental Disorders. Identifiers: Orphanet 1942, Orphanet 2382, MedGen C3809278, MONDO:0014150, OMIM 615369.

Allele frequency attached by ClinVar (database versions not stated): ESP Exome Variant Server 0.74265; gnomAD 0.75511 and 0.76530; TOPMed 0.76950; 1000 Genomes Project 30x 0.79872; 1000 Genomes Project 0.80970; ExAC 0.83526; gnomAD exomes 0.84305.
gnomAD v4.1: 1,324,387 of 1,592,120 alleles (83%); highest among the groups gnomAD compares: East Asian, 100%; 555,440 homozygotes.

Submissions (7):

Unidad de Genómica Garrahan, Hospital de Pediatría Garrahan
Classification: Benign. Last evaluated: 2024-07-15. Review status: criteria provided, single submitter. Criteria: ACMG Guidelines, 2015. Collection method: clinical testing. Allele origin: germline. Affected: no. Observed: 86 variant alleles.
Comment: This variant is classified as Benign based on local population frequency. This variant was detected in 92% of patients studied in a panel designed for Epileptic and Developmental Encephalopathy and Progressive Myoclonus Epilepsy. Number of patients: 86. Only high quality variants are reported.

Genome-Nilou Lab
Classification: Benign for Developmental and epileptic encephalopathy 94. Last evaluated: 2021-07-22. Review status: criteria provided, single submitter. Criteria: ACMG Guidelines, 2015. Collection method: clinical testing. Allele origin: germline. Affected: no.

GeneDx
Classification: Benign. Last evaluated: 2018-06-25. Review status: criteria provided, single submitter. Criteria: GeneDx Variant Classification Process June 2021. Collection method: clinical testing. Allele origin: germline. Affected: yes.

Breakthrough Genomics
Classification: Benign. Review status: criteria provided, single submitter. Criteria: ACMG Guidelines, 2015. Collection method: not provided. Allele origin: germline. Inheritance: Autosomal dominant inheritance. Affected: yes.

Dr. Peter K. Rogan Lab, Western University
No classification provided (evidence only). Condition: Hepatocellular carcinoma. Review status: no classification provided. Collection method: in vitro. Allele origin: not applicable. Functional consequence: retained intron. Not counted in ClinVar's aggregate classification.

Dr. Peter K. Rogan Lab, Western University
No classification provided (evidence only). Condition: Hepatocellular carcinoma. Review status: no classification provided. Collection method: in vitro. Allele origin: not applicable. Functional consequence: retained intron. Not counted in ClinVar's aggregate classification.

Dr. Peter K. Rogan Lab, Western University
No classification provided (evidence only). Condition: Hepatocellular carcinoma. Review status: no classification provided. Collection method: in vitro. Allele origin: not applicable. Functional consequence: retained intron. Not counted in ClinVar's aggregate classification.